The following is an entry in ClinVar:

NM_004960.4(FUS):c.455C>T (p.Pro152Leu)

Gene: FUS (FUS RNA binding protein; plus strand). Cytogenetic location: 16p11.2.
Variant type: single nucleotide variant.
Coding change: c.455C>T on transcript NM_004960.4 (MANE Select); coding-DNA position 455, C replaced by T.
Protein change: p.Pro152Leu; replaces proline 152 with leucine.
Molecular consequence: missense variant. On other transcripts: non-coding transcript variant (1).
Genome position (GRCh38, 1-based): chr16:31,184,328, C>T. VCF-style: chr16-31184328-C-T. GRCh37 (hg19) VCF-style: chr16-31195649-C-T.
Other names: c.452C>T, p.Pro151Leu (NM_001170634.1); c.455C>T, p.Pro152Leu (NM_001170937.1); short protein forms P151L, P152L.
Identifiers: ClinVar variation 1695511 (VCV001695511.5), dbSNP rs767906231, ClinGen allele CA8023627.

ClinVar aggregate classification (germline): Conflicting classifications of pathogenicity. Review status: criteria provided, conflicting classifications (1 of 4 stars). 3 submissions from 3 submitters: Uncertain significance (2); Likely benign (1). Last evaluated 2025-08-07.

Conditions:
FUS-related disorder. Also called: FUS-related condition.
Inborn genetic diseases. Identifiers: MedGen C0950123, MeSH D030342.

Allele frequency attached by ClinVar (database versions not stated): gnomAD exomes below 0.00001 and 0.00002; gnomAD 0.00001; TOPMed 0.00001; ExAC 0.00002.
gnomAD v4.1: 6 of 1,614,002 alleles (0.00037%); highest among the groups gnomAD compares: East Asian, 0.0067%; no homozygotes.

Submissions (3):

PreventionGenetics, part of Exact Sciences
Classification: Uncertain significance for FUS-related condition. Last evaluated: 2025-08-07. Review status: criteria provided, single submitter. Criteria: ACMG Guidelines, 2015. Collection method: clinical testing. Allele origin: germline.
Comment: The FUS c.455C>T variant is predicted to result in the amino acid substitution p.Pro152Leu. This variant was reported in an individual with amyotrophic lateral sclerosis (ALS, Supplementary Table 2, Chen et al. 2020. PubMed ID: 32166880). This variant is reported in 0.022% of alleles in individuals of East Asian descent in gnomAD. At this time, the clinical significance of this variant is uncertain due to the absence of conclusive functional and genetic evidence.

GeneDx
Classification: Uncertain significance. Last evaluated: 2022-12-06. Review status: criteria provided, single submitter. Criteria: GeneDx Variant Classification Process June 2021. Collection method: clinical testing. Allele origin: germline. Affected: yes.
Comment: Previously reported as a variant of uncertain significance in an individual with amyotrophic lateral sclerosis (ALS), who also harbored variants in additional genes known to be associated with ALS (Chen et al., 2020); In silico analysis supports that this missense variant has a deleterious effect on protein structure/function; This variant is associated with the following publications: (PMID: 32166880)

Ambry Genetics
Classification: Likely benign for Inborn genetic diseases. Last evaluated: 2020-02-20. Review status: criteria provided, single submitter. Criteria: Ambry Variant Classification Scheme 2023. Collection method: clinical testing. Allele origin: germline.